The following is an entry in ClinVar:

ClinVar aggregate classification (germline): Uncertain significance (1 of 4 stars; one submission).

Submission:

CeGaT Center for Human Genetics Tuebingen
Classification: Uncertain significance. Last evaluated: 2023-10-01. Review status: criteria provided, single submitter. Criteria: CeGaT Center For Human Genetics Tuebingen Variant Classification Criteria Version 2. Collection method: clinical testing. Allele origin: germline. Affected: yes. Observed: 1 variant allele.
Comment: MYH14: PM2

NM_001145809.2(MYH14):c.4664A>C (p.Glu1555Ala)

Gene: MYH14 (myosin heavy chain 14; plus strand). Cytogenetic location: 19q13.33.
Variant type: single nucleotide variant.
Coding change: c.4664A>C on transcript NM_001145809.2 (MANE Select); coding-DNA position 4664, A replaced by C.
Protein change: p.Glu1555Ala; replaces glutamic acid 1555 with alanine.
Molecular consequence: missense variant.
Genome position (GRCh38, 1-based): chr19:50,286,606, A>C. VCF-style: chr19-50286606-A-C. GRCh37 (hg19) VCF-style: chr19-50789863-A-C.
Other names: c.4565A>C, p.Glu1522Ala (NM_001077186.2); c.4541A>C, p.Glu1514Ala (NM_024729.4); short protein forms E1514A, E1522A, E1555A.
Identifiers: ClinVar variation 2650314 (VCV002650314.24), dbSNP rs2514443755, ClinGen allele CA406959231.
Genomic context (GRCh38, chr19:50,286,606, plus strand): 5'-AGGGCCGGGAGCGTGAGGCTCGGGCCCTGTCACTGACACGGGCACTGGAGGAGGAGCAGG[A>C]GGCACGTGAGGAGCTGGAGCGGCAGAACCGGGCCCTGCGGGCTGAGCTGGAGGCACTGCT-3'
Protein context (NP_001139281.1, residues 1545-1565): SLTRALEEEQ[Glu1555Ala]AREELERQNR